The following is an entry in ClinVar:

NM_017636.4(TRPM4):c.2245G>A (p.Val749Ile)

Gene: TRPM4 (transient receptor potential cation channel subfamily M member 4; plus strand). Cytogenetic location: 19q13.33.
Variant type: single nucleotide variant.
Coding change: c.2245G>A on transcript NM_017636.4 (MANE Select); coding-DNA position 2245, G replaced by A.
Protein change: p.Val749Ile; replaces valine 749 with isoleucine.
Molecular consequence: missense variant. On other transcripts: intron variant (1).
Genome position (GRCh38, 1-based): chr19:49,196,474, G>A. VCF-style: chr19-49196474-G-A. GRCh37 (hg19) VCF-style: chr19-49699731-G-A.
Other names: c.1900G>A, p.Val634Ile (NM_001321281.2); c.637G>A, p.Val213Ile (NM_001321282.2); c.1723G>A, p.Val575Ile (NM_001321283.2); c.1183G>A, p.Val395Ile (NM_001321285.2); c.2211-3826G>A (NM_001195227.2); short protein forms V575I, V634I, V213I, V395I, V749I.
Identifiers: ClinVar variation 1788335 (VCV001788335.5), dbSNP rs888223056, ClinGen allele CA406808546.

ClinVar aggregate classification (germline): Uncertain significance. Review status: criteria provided, multiple submitters, no conflicts (2 of 4 stars). 2 submissions from 2 submitters: Uncertain significance (2). Last evaluated 2025-01-10.

Conditions:
Progressive familial heart block type IB (PFHB1B). Identifiers: Orphanet 871, MedGen C1970298, MONDO:0011474, OMIM 604559.
Cardiovascular phenotype. Identifiers: MedGen CN230736.

gnomAD v4.1: 2 of 1,555,014 alleles (0.00013%); highest among the groups gnomAD compares: Non-Finnish European, 0.00017%; no homozygotes.

Submissions (2):

Ambry Genetics
Classification: Uncertain significance for Cardiovascular phenotype. Last evaluated: 2025-01-10. Review status: criteria provided, single submitter. Criteria: Ambry Variant Classification Scheme 2023. Collection method: clinical testing. Allele origin: germline.
Comment: The p.V749I variant (also known as c.2245G>A), located in coding exon 17 of the TRPM4 gene, results from a G to A substitution at nucleotide position 2245. The valine at codon 749 is replaced by isoleucine, an amino acid with highly similar properties. This amino acid position is conserved. In addition, this alteration is predicted to be tolerated by in silico analysis. Since supporting evidence is limited at this time, the clinical significance of this alteration remains unclear.

Labcorp Genetics (formerly Invitae), Labcorp
Classification: Uncertain significance for Progressive familial heart block type IB. Last evaluated: 2024-08-15. Review status: criteria provided, single submitter. Criteria: Invitae Variant Classification Sherloc (09022015). Collection method: clinical testing. Allele origin: germline.
Comment: This sequence change replaces valine, which is neutral and non-polar, with isoleucine, which is neutral and non-polar, at codon 749 of the TRPM4 protein (p.Val749Ile). This variant is not present in population databases (gnomAD no frequency). This variant has not been reported in the literature in individuals affected with TRPM4-related conditions. ClinVar contains an entry for this variant (Variation ID: 1788335). An algorithm developed to predict the effect of missense changes on protein structure and function (PolyPhen-2) suggests that this variant is likely to be tolerated. In summary, the available evidence is currently insufficient to determine the role of this variant in disease. Therefore, it has been classified as a Variant of Uncertain Significance.